The following is an entry in ClinVar:

NM_000069.3(CACNA1S):c.445A>G (p.Thr149Ala)

Gene: CACNA1S (calcium voltage-gated channel subunit alpha1 S; minus strand). Cytogenetic location: 1q32.1.
Variant type: single nucleotide variant.
Coding change: c.445A>G on transcript NM_000069.3 (MANE Select); coding-DNA position 445, A replaced by G.
Protein change: p.Thr149Ala; replaces threonine 149 with alanine.
Molecular consequence: missense variant.
Genome position (GRCh38, 1-based): chr1:201,092,068, T>C on the plus strand (A>G on the coding strand, the complement: CACNA1S is on the minus strand). VCF-style: chr1-201092068-T-C. GRCh37 (hg19) VCF-style: chr1-201061196-T-C.
Other names: short protein forms T149A.
Identifiers: ClinVar variation 874925 (VCV000874925.10), dbSNP rs74642988, ClinGen allele CA083373.

ClinVar aggregate classification (germline): Benign/Likely benign. Review status: criteria provided, multiple submitters, no conflicts (2 of 4 stars). 7 submissions from 4 submitters: Benign (1); Likely benign (6). Last evaluated 2025-09-22.

Conditions:
Hypokalemic periodic paralysis, type 1. Also called: Hypokalemic Periodic Paralysis Type 1 (AD); HypoPP. Identifiers: Orphanet 681, MedGen C3714580, MONDO:0042979, OMIM 170400.
Malignant hyperthermia, susceptibility to, 5 (MHS5). Also called: CACNA1S-Related Malignant Hyperthermia Susceptibility. Identifiers: Orphanet 423, MedGen C1866077, MONDO:0011163, OMIM 601887.
Congenital myopathy 18. Also called: Myopathy, congenital, due to dihydropyridine receptor defect; DIHYDROPYRIDINE RECEPTOR CONGENITAL MYOPATHY; DHPR CONGENITAL MYOPATHY. Identifiers: MedGen C5830283, MONDO:0859514, OMIM 620246.
Thyrotoxic periodic paralysis, susceptibility to, 1 (TTPP1). Identifiers: Orphanet 79102, MedGen C2749982, MONDO:0008570, OMIM 188580.

Allele frequency attached by ClinVar (database versions not stated): gnomAD 0.00001 and 0.00003; TOPMed 0.00002; gnomAD exomes 0.00006 and 0.00011; ExAC 0.00007; 1000 Genomes Project 30x 0.00016; 1000 Genomes Project 0.00020.
gnomAD v4.1: 158 of 1,614,096 alleles (0.0098%); highest among the groups gnomAD compares: East Asian, 0.35%; 1 homozygote.

Submissions (7):

Labcorp Genetics (formerly Invitae), Labcorp
Classification: Likely benign for Hypokalemic periodic paralysis, type 1; Malignant hyperthermia, susceptibility to, 5. Last evaluated: 2025-09-22. Review status: criteria provided, single submitter. Criteria: Invitae Variant Classification Sherloc (09022015). Collection method: clinical testing. Allele origin: germline.

Genome-Nilou Lab
Classification: Likely benign for Malignant hyperthermia, susceptibility to, 5. Last evaluated: 2023-04-11. Review status: criteria provided, single submitter. Criteria: ACMG Guidelines, 2015. Collection method: clinical testing. Allele origin: germline. Affected: no.

Genome-Nilou Lab
Classification: Likely benign for Thyrotoxic periodic paralysis, susceptibility to, 1. Last evaluated: 2023-04-11. Review status: criteria provided, single submitter. Criteria: ACMG Guidelines, 2015. Collection method: clinical testing. Allele origin: germline. Affected: no.

Genome-Nilou Lab
Classification: Likely benign for Congenital myopathy 18. Last evaluated: 2023-04-11. Review status: criteria provided, single submitter. Criteria: ACMG Guidelines, 2015. Collection method: clinical testing. Allele origin: germline. Affected: no.

Genome-Nilou Lab
Classification: Likely benign for Hypokalemic periodic paralysis, type 1. Last evaluated: 2023-04-11. Review status: criteria provided, single submitter. Criteria: ACMG Guidelines, 2015. Collection method: clinical testing. Allele origin: germline. Affected: no.

Color Diagnostics, LLC DBA Color Health
Classification: Likely benign for Malignant hyperthermia, susceptibility to, 5. Last evaluated: 2023-01-13. Review status: criteria provided, single submitter. Criteria: ACMG Guidelines, 2015. Collection method: clinical testing. Allele origin: germline.

Illumina Laboratory Services, Illumina
Classification: Benign for Hypokalemic periodic paralysis, type 1. Last evaluated: 2018-01-13. Review status: criteria provided, single submitter. Criteria: ICSL Variant Classification Criteria 13 December 2019. Collection method: clinical testing. Allele origin: germline.
Comment: This variant was observed in the ICSL laboratory as part of a predisposition screen in an ostensibly healthy population. It had not been previously curated by ICSL or reported in the Human Gene Mutation Database (HGMD: prior to June 1st, 2018), and was therefore a candidate for classification through an automated scoring system. Utilizing variant allele frequency, disease prevalence and penetrance estimates, and inheritance mode, an automated score was calculated to assess if this variant is too frequent to cause the disease. Based on the score and internal cut-off values, a variant classified as benign is not then subjected to further curation. The score for this variant resulted in a classification of benign for this disease.